The following is an entry in ClinVar:

ClinVar aggregate classification (germline): Benign. Review status: criteria provided, multiple submitters, no conflicts (2 of 4 stars). 4 submissions from 4 submitters: Benign (4). Last evaluated 2026-01-12.

Conditions:
ALG11-congenital disorder of glycosylation. Also called: CONGENITAL DISORDER OF GLYCOSYLATION, TYPE Ip; ALG11-CDG. Identifiers: Orphanet 280071, MedGen C3150913, MONDO:0013349, OMIM 613661.
Wilson disease (WND). Also called: Wilson's disease. Identifiers: Orphanet 905, MedGen C0019202, MONDO:0010200, OMIM 277900. Disease mechanism: loss of function.

Allele frequency attached by ClinVar (database versions not stated): 1000 Genomes Project 30x 0.07402; 1000 Genomes Project 0.07288; gnomAD 0.09610 and 0.09600; TOPMed 0.09476.
gnomAD v4.1: 14,637 of 152,296 alleles (9.6%); highest among the groups gnomAD compares: Non-Finnish European, 12%; 772 homozygotes.

Submissions (4):

Labcorp Genetics (formerly Invitae), Labcorp
Classification: Benign for ALG11-congenital disorder of glycosylation. Last evaluated: 2026-01-12. Review status: criteria provided, single submitter. Criteria: Invitae Variant Classification Sherloc (09022015). Collection method: clinical testing. Allele origin: germline.

Blueprint Genetics
Classification: Benign. Last evaluated: 2024-11-27. Review status: criteria provided, single submitter. Criteria: ACMG Guidelines, 2015. Collection method: clinical testing. Allele origin: germline.

ARUP Laboratories, Molecular Genetics and Genomics, ARUP Laboratories
Classification: Benign for Wilson disease. Last evaluated: 2022-02-28. Review status: criteria provided, single submitter. Criteria: ARUP Molecular Germline Variant Investigation Process 2021. Collection method: clinical testing. Allele origin: germline.

GeneDx
Classification: Benign. Last evaluated: 2018-06-14. Review status: criteria provided, single submitter. Criteria: GeneDx Variant Classification (06012015). Collection method: clinical testing. Allele origin: germline. Affected: yes.
Comment: This variant is considered likely benign or benign based on one or more of the following criteria: it is a conservative change, it occurs at a poorly conserved position in the protein, it is predicted to be benign by multiple in silico algorithms, and/or has population frequency not consistent with disease.

NC_000013.11:g.52011745A>G

Genes: ALG11 (ALG11 alpha-1,2-mannosyltransferase; plus strand), ATP7B (ATPase copper transporting beta; minus strand), LOC130009838 (ATAC-STARR-seq lymphoblastoid silent region 5378; plus strand). Cytogenetic location: 13q14.3.
Variant type: single nucleotide variant.
Molecular consequence: 5 prime UTR variant (on NM_001406512.1). On other transcripts: intron variant (9).
Genome position: GRCh38 VCF-style: chr13-52011745-A-G. GRCh37 (hg19) VCF-style: chr13-52585881-A-G.
Other names: c.-143T>C (NM_001406512.1, NM_001406516.1, NM_001406522.1); c.-327T>C (NM_001406532.1); c.-55+275T>C (NM_001406541.1, NM_001406531.1, NM_001406527.1 and 4 more transcripts); c.-184+275T>C (NM_001406543.1); c.-238-170T>C (NM_001406528.1).
Identifiers: ClinVar variation 538871 (VCV000538871.26), dbSNP rs28362532, ClinGen allele CA15785503.